The following is an entry in ClinVar:

ClinVar aggregate classification (germline): Likely pathogenic (1 of 4 stars; one submission).

Conditions:
GLI1-related disorder. Also called: GLI1-related condition.

Submission:

PreventionGenetics, part of Exact Sciences
Classification: Likely pathogenic for GLI1-related condition. Last evaluated: 2023-05-26. Review status: criteria provided, single submitter. Criteria: ACMG Guidelines, 2015. Collection method: clinical testing. Allele origin: germline.
Comment: The GLI1 c.1078-1G>C variant is predicted to disrupt the AG splice acceptor site and interfere with normal splicing. To our knowledge, this variant has not been reported in the literature. This variant is reported in 0.00089% of alleles in individuals of European (Non-Finnish) descent in gnomAD. Splicing variants and other loss-of-function variants in GLI1 have not been commonly reported in patients with GLI1-associated disorders. In summary, this variant is interpreted as likely pathogenic.

NM_005269.3(GLI1):c.1078-1G>C

Gene: GLI1 (GLI family zinc finger 1; plus strand). Cytogenetic location: 12q13.3.
Variant type: single nucleotide variant.
Coding change: c.1078-1G>C on transcript NM_005269.3 (MANE Select); the canonical splice acceptor site of the intron before coding-DNA position 1078, G replaced by C.
Molecular consequence: splice acceptor variant.
Genome position (GRCh38, 1-based): chr12:57,467,993, G>C. VCF-style: chr12-57467993-G-C. GRCh37 (hg19) VCF-style: chr12-57861776-G-C.
Other names: c.955-1G>C (NM_001167609.2); c.694-1G>C (NM_001160045.2).
Identifiers: ClinVar variation 2634349 (VCV002634349.1), dbSNP rs199831983, ClinGen allele CA237786987.